The following is an entry in ClinVar:

ClinVar aggregate classification (germline): Conflicting classifications of pathogenicity. Review status: criteria provided, conflicting classifications (1 of 4 stars). 3 submissions from 1 submitter: Uncertain significance (2); Likely benign (1). Last evaluated 2018-01-12.

Conditions:
Pyruvate dehydrogenase complex deficiency (PDHC). Also called: Pyruvate dehydrogenase deficiency; Ataxia with lactic acidosis 1; PYRUVATE DECARBOXYLASE DEFICIENCY; PDH DEFICIENCY; Pyruvate Dehydrogenase Complex Deficiency Disease. Identifiers: Orphanet 765, Orphanet 79243, MedGen C0034345, MONDO:0019169.
Pyruvate dehydrogenase E3 deficiency (DLDD). Also called: Lipoamide dehydrogenase deficiency, lactic acidosis due to; Lipoamide dehydrogenase deficiency; Dihydrolipoamide Dehydrogenase (E3) Deficiency; MAPLE SYRUP URINE DISEASE, TYPE III; DLD DEFICIENCY; E3 DEFICIENCY. Identifiers: Orphanet 2394, Orphanet 765, MedGen C5574660, MONDO:0009529, OMIM 246900.
Leigh syndrome (NULS). Also called: Subacute necrotizing encephalopathy; Necrotizing encephalopathy infantile subacute of Leigh; Leigh's syndrome; Leigh Disease; Leigh's necrotizing encephalopathy; Leigh's disease. Identifiers: Orphanet 506, MedGen C2931891, MONDO:0009723, OMIM 256000.

Allele frequency attached by ClinVar (database versions not stated): gnomAD 0.00025 and 0.00026; TOPMed 0.00037; 1000 Genomes Project 0.00060.

Submissions (3):

Illumina Laboratory Services, Illumina
Classification: Uncertain significance for Leigh syndrome. Last evaluated: 2018-01-12. Review status: criteria provided, single submitter. Criteria: ICSL Variant Classification Criteria 13 December 2019. Collection method: clinical testing. Allele origin: germline.

Illumina Laboratory Services, Illumina
Classification: Likely benign for Pyruvate dehydrogenase E3 deficiency. Last evaluated: 2018-01-12. Review status: criteria provided, single submitter. Criteria: ICSL Variant Classification Criteria 13 December 2019. Collection method: clinical testing. Allele origin: germline.
Comment: This variant was observed in the ICSL laboratory as part of a predisposition screen in an ostensibly healthy population. It had not been previously curated by ICSL or reported in the Human Gene Mutation Database (HGMD: prior to June 1st, 2018), and was therefore a candidate for classification through an automated scoring system. Utilizing variant allele frequency, disease prevalence and penetrance estimates, and inheritance mode, an automated score was calculated to assess if this variant is too frequent to cause the disease. Based on the score and internal cut-off values, a variant classified as likely benign is not then subjected to further curation. The score for this variant resulted in a classification of likely benign for this disease.

Illumina Laboratory Services, Illumina
Classification: Uncertain significance for Pyruvate dehydrogenase complex deficiency. Last evaluated: 2018-01-12. Review status: criteria provided, single submitter. Criteria: ICSL Variant Classification Criteria 13 December 2019. Collection method: clinical testing. Allele origin: germline.

NM_000108.5(DLD):c.*1736T>C

Gene: DLD (dihydrolipoamide dehydrogenase; plus strand). Cytogenetic location: 7q31.1.
Variant type: single nucleotide variant.
Coding change: c.*1736T>C on transcript NM_000108.5 (MANE Select); 1736 bases downstream of the stop codon, T replaced by C.
Molecular consequence: 3 prime UTR variant.
Genome position (GRCh38, 1-based): chr7:107,920,995, T>C. VCF-style: chr7-107920995-T-C. GRCh37 (hg19) VCF-style: chr7-107561440-T-C.
Other names: c.*1736T>C (NM_001289750.1, NM_001289751.1, NM_001289752.1).
Identifiers: ClinVar variation 358591 (VCV000358591.5), dbSNP rs190655078, ClinGen allele CA10622985.